The following is an entry in ClinVar:

ClinVar aggregate classification (germline): Benign/Likely benign. Review status: criteria provided, multiple submitters, no conflicts (2 of 4 stars). 7 submissions from 7 submitters: Benign (1); Likely benign (6). Last evaluated 2026-03-06.

Conditions:
Frontotemporal dementia and/or amyotrophic lateral sclerosis 4. Also called: FTDALS4. Identifiers: Orphanet 275872, MedGen C4225325, MONDO:0014641, OMIM 616439.

Allele frequency attached by ClinVar (database versions not stated): ExAC 0.00104; gnomAD 0.00108 and 0.00101; gnomAD exomes 0.00151 and 0.00097; 1000 Genomes Project 30x 0.00016; 1000 Genomes Project 0.00020; ESP Exome Variant Server 0.00100; TOPMed 0.00102.
gnomAD v4.1: 2,278 of 1,573,626 alleles (0.14%); highest among the groups gnomAD compares: Non-Finnish European, 0.18%; 4 homozygotes.

Submissions (7):

Women's Health and Genetics/Laboratory Corporation of America, LabCorp
Classification: Likely benign. Last evaluated: 2026-03-06. Review status: criteria provided, single submitter. Criteria: LabCorp Variant Classification Summary - May 2015. Collection method: clinical testing. Allele origin: germline.

Labcorp Genetics (formerly Invitae), Labcorp
Classification: Benign for Frontotemporal dementia and/or amyotrophic lateral sclerosis 4. Last evaluated: 2026-01-25. Review status: criteria provided, single submitter. Criteria: Invitae Variant Classification Sherloc (09022015). Collection method: clinical testing. Allele origin: germline.

CeGaT Center for Human Genetics Tuebingen
Classification: Likely benign. Last evaluated: 2025-07-01. Review status: criteria provided, single submitter. Criteria: CeGaT Center For Human Genetics Tuebingen Variant Classification Criteria Version 2. Collection method: clinical testing. Allele origin: germline. Affected: yes. Observed: 4 variant alleles.
Comment: TBK1: BS1

Mayo Clinic Laboratories, Mayo Clinic
Classification: Likely benign. Last evaluated: 2025-02-04. Review status: criteria provided, single submitter. Criteria: ACMG Guidelines, 2015. Collection method: clinical testing. Allele origin: germline. Observed: 3 variant alleles.
Comment: BS1

Blueprint Genetics
Classification: Likely benign. Last evaluated: 2024-10-14. Review status: criteria provided, single submitter. Criteria: ACMG Guidelines, 2015. Collection method: clinical testing. Allele origin: germline.

GeneDx
Classification: Likely benign. Last evaluated: 2020-12-15. Review status: criteria provided, single submitter. Criteria: GeneDx Variant Classification Process June 2021. Collection method: clinical testing. Allele origin: germline. Affected: yes.

Breakthrough Genomics
Classification: Likely benign. Review status: criteria provided, single submitter. Criteria: ACMG Guidelines, 2015. Collection method: not provided. Allele origin: germline. Inheritance: Autosomal dominant inheritance. Affected: yes.

NM_013254.4(TBK1):c.135C>T (p.Phe45=)

Gene: TBK1 (TANK binding kinase 1; plus strand). Cytogenetic location: 12q14.2.
Variant type: single nucleotide variant.
Coding change: c.135C>T on transcript NM_013254.4 (MANE Select); coding-DNA position 135, C replaced by T.
Protein change: p.Phe45=; no amino-acid change (phenylalanine 45 retained).
Molecular consequence: synonymous variant.
Genome position (GRCh38, 1-based): chr12:64,460,236, C>T. VCF-style: chr12-64460236-C-T. GRCh37 (hg19) VCF-style: chr12-64854016-C-T.
Other names: p.Phe45=.
Identifiers: ClinVar variation 707118 (VCV000707118.44), dbSNP rs11538420, ClinGen allele CA6668725.